The following is an entry in ClinVar:

ClinVar aggregate classification (germline): Benign/Likely benign. Review status: criteria provided, multiple submitters, no conflicts (2 of 4 stars). 5 submissions from 5 submitters: Benign (1); Likely benign (4). Last evaluated 2025-10-25.

Conditions:
Macrocephaly, dysmorphic facies, and psychomotor retardation (MDFPMR). Identifiers: Orphanet 457359, MedGen C4310766, MONDO:0014863, OMIM 617011.

Allele frequency attached by ClinVar (database versions not stated): gnomAD exomes 0.00030 and 0.00072; ESP Exome Variant Server 0.00085; ExAC 0.00097; gnomAD 0.00196 and 0.00205; TOPMed 0.00230; 1000 Genomes Project 0.00319; 1000 Genomes Project 30x 0.00328.
gnomAD v4.1: 730 of 1,573,050 alleles (0.046%); highest among the groups gnomAD compares: African/African-American, 0.62%; 4 homozygotes.

Submissions (5):

Labcorp Genetics (formerly Invitae), Labcorp
Classification: Benign. Last evaluated: 2025-10-25. Review status: criteria provided, single submitter. Criteria: Invitae Variant Classification Sherloc (09022015). Collection method: clinical testing. Allele origin: germline.

CeGaT Center for Human Genetics Tuebingen
Classification: Likely benign. Last evaluated: 2025-09-01. Review status: criteria provided, single submitter. Criteria: CeGaT Center For Human Genetics Tuebingen Variant Classification Criteria Version 2. Collection method: clinical testing. Allele origin: germline. Affected: yes. Observed: 3 variant alleles.
Comment: HERC1: BP4, BS2

Blueprint Genetics
Classification: Likely benign. Last evaluated: 2024-10-22. Review status: criteria provided, single submitter. Criteria: ACMG Guidelines, 2015. Collection method: clinical testing. Allele origin: germline.

Fulgent Genetics
Classification: Likely benign for Macrocephaly, dysmorphic facies, and psychomotor retardation. Last evaluated: 2021-07-27. Review status: criteria provided, single submitter. Criteria: ACMG Guidelines, 2015. Collection method: clinical testing. Allele origin: unknown.

GeneDx
Classification: Likely benign. Last evaluated: 2020-08-05. Review status: criteria provided, single submitter. Criteria: GeneDx Variant Classification Process June 2021. Collection method: clinical testing. Allele origin: germline. Affected: yes.

NM_003922.4(HERC1):c.10547-7C>T

Gene: HERC1 (HECT and RLD domain containing E3 ubiquitin protein ligase family member 1; minus strand). Cytogenetic location: 15q22.31.
Variant type: single nucleotide variant.
Coding change: c.10547-7C>T on transcript NM_003922.4 (MANE Select); 7 bases into the intron before coding-DNA position 10547, C replaced by T.
Molecular consequence: intron variant.
Genome position (GRCh38, 1-based): chr15:63,649,932, G>A on the plus strand (C>T on the coding strand, the complement: HERC1 is on the minus strand). VCF-style: chr15-63649932-G-A. GRCh37 (hg19) VCF-style: chr15-63942131-G-A.
Identifiers: ClinVar variation 730607 (VCV000730607.36), dbSNP rs192840076, ClinGen allele CA7604430.